The following is an entry in ClinVar:

ClinVar aggregate classification (germline): Uncertain significance (1 of 4 stars; one submission).

Conditions:
Congenital disorder of deglycosylation (CDDG). Identifiers: MedGen C3808991, MONDO:0031376.

Allele frequency attached by ClinVar (database versions not stated): gnomAD exomes below 0.00001.
gnomAD v4.1: 1 of 1,555,558 alleles (0.000064%); highest among the groups gnomAD compares: South Asian, 0.0012%; no homozygotes.

Submission:

Labcorp Genetics (formerly Invitae), Labcorp
Classification: Uncertain significance for Congenital disorder of deglycosylation. Last evaluated: 2021-12-02. Review status: criteria provided, single submitter. Criteria: Invitae Variant Classification Sherloc (09022015). Collection method: clinical testing. Allele origin: germline.
Comment: This sequence change replaces tyrosine, which is neutral and polar, with cysteine, which is neutral and slightly polar, at codon 497 of the NGLY1 protein (p.Tyr497Cys). In summary, the available evidence is currently insufficient to determine the role of this variant in disease. Therefore, it has been classified as a Variant of Uncertain Significance. Algorithms developed to predict the effect of missense changes on protein structure and function (SIFT, PolyPhen-2, Align-GVGD) all suggest that this variant is likely to be disruptive. This variant has not been reported in the literature in individuals affected with NGLY1-related conditions. This variant is not present in population databases (gnomAD no frequency).

NM_018297.4(NGLY1):c.1490A>G (p.Tyr497Cys)

Gene: NGLY1 (N-glycanase 1; minus strand). Cytogenetic location: 3p24.2.
Variant type: single nucleotide variant.
Coding change: c.1490A>G on transcript NM_018297.4 (MANE Select); coding-DNA position 1490, A replaced by G.
Protein change: p.Tyr497Cys; replaces tyrosine 497 with cysteine.
Molecular consequence: missense variant.
Genome position (GRCh38, 1-based): chr3:25,729,254, T>C on the plus strand (A>G on the coding strand, the complement: NGLY1 is on the minus strand). VCF-style: chr3-25729254-T-C. GRCh37 (hg19) VCF-style: chr3-25770745-T-C.
Other names: c.1436A>G, p.Tyr479Cys (NM_001145293.2); c.1364A>G, p.Tyr455Cys (NM_001145294.2); c.1490A>G, p.Tyr497Cys (NM_001145295.2); short protein forms Y455C, Y479C, Y497C.
Identifiers: ClinVar variation 1482599 (VCV001482599.6), dbSNP rs2125459762, ClinGen allele CA351896880.
Genomic context (GRCh38, chr3:25,729,254, plus strand): 5'-CATCCAGAAATGGTTTGATTGTTATTTGAAACTCGAACATAACGATCTTTCACAATATTG[T>C]AACAAAGGTGGAGCTGTTTAGAAATCTTCTCATTTTCACAGGGAATAAACAAGGTTTCTT-3'
Protein context (NP_060767.2, residues 487-507): EKISKQLHLC[Tyr497Cys]NIVKDRYVRV